The following is an entry in ClinVar:

ClinVar aggregate classification (germline): Uncertain significance. Review status: criteria provided, multiple submitters, no conflicts (2 of 4 stars). 2 submissions from 2 submitters: Uncertain significance (2). Last evaluated 2025-09-16.

Allele frequency attached by ClinVar (database versions not stated): ExAC 0.00002; TOPMed 0.00002; gnomAD exomes 0.00004; ESP Exome Variant Server 0.00008.
gnomAD v4.1: 55 of 1,613,512 alleles (0.0034%); highest among the groups gnomAD compares: Non-Finnish European, 0.0044%; no homozygotes.

Submissions (2):

Labcorp Genetics (formerly Invitae), Labcorp
Classification: Uncertain significance. Last evaluated: 2025-09-16. Review status: criteria provided, single submitter. Criteria: Invitae Variant Classification Sherloc (09022015). Collection method: clinical testing. Allele origin: germline.
Comment: This sequence change replaces arginine, which is basic and polar, with glutamine, which is neutral and polar, at codon 1500 of the SIPA1L3 protein (p.Arg1500Gln). This variant is present in population databases (rs142454385, gnomAD 0.004%). This variant has not been reported in the literature in individuals affected with SIPA1L3-related conditions. ClinVar contains an entry for this variant (Variation ID: 2304499). An algorithm developed to predict the effect of missense changes on protein structure and function (PolyPhen-2) suggests that this variant is likely to be disruptive. In summary, the available evidence is currently insufficient to determine the role of this variant in disease. Therefore, it has been classified as a Variant of Uncertain Significance.

Ambry Genetics
Classification: Uncertain significance. Last evaluated: 2022-08-01. Review status: criteria provided, single submitter. Criteria: Ambry Variant Classification Scheme 2023. Collection method: clinical testing. Allele origin: germline.

NM_015073.3(SIPA1L3):c.4499G>A (p.Arg1500Gln)

Gene: SIPA1L3 (signal induced proliferation associated 1 like 3; plus strand). Cytogenetic location: 19q13.13.
Variant type: single nucleotide variant.
Coding change: c.4499G>A on transcript NM_015073.3 (MANE Select); coding-DNA position 4499, G replaced by A.
Protein change: p.Arg1500Gln; replaces arginine 1500 with glutamine.
Molecular consequence: missense variant.
Genome position (GRCh38, 1-based): chr19:38,192,213, G>A. VCF-style: chr19-38192213-G-A. GRCh37 (hg19) VCF-style: chr19-38682853-G-A.
Other names: short protein forms R1500Q.
Identifiers: ClinVar variation 2304499 (VCV002304499.3), dbSNP rs142454385, ClinGen allele CA9410370.